The following is an entry in ClinVar:

NM_001267550.2(TTN):c.99909del (p.Leu33303_Leu33304insTer)

Genes: TTN (titin; minus strand), TTN-AS1 (TTN antisense RNA 1; plus strand), LOC126806420 (BRD4-independent group 4 enhancer GRCh37_chr2:179401104-179402303; plus strand). Cytogenetic location: 2q31.2.
Variant type: Deletion.
Coding change: c.99909del on transcript NM_001267550.2 (MANE Select); coding-DNA position 99909, one base deleted (A; older notation c.99909delA).
Protein change: p.Leu33303_Leu33304insTer.
Molecular consequence: frameshift variant.
Genome position (GRCh38, 1-based): chr2:178,537,200, T deleted on the plus strand (A on the coding strand, the reverse complement: TTN is on the minus strand). VCF-style (leftmost placement, unchanged base first): chr2-178537199-AT-A. GRCh37 (hg19) VCF-style: chr2-179401926-AT-A.
Other names: c.94986del, p.Leu31662_Leu31663insTer (NM_001256850.1); c.72714del, p.Leu24238_Leu24239insTer (NM_003319.4); c.92205del, p.Leu30735_Leu30736insTer (NM_133378.4); c.73089del, p.Leu24363_Leu24364insTer (NM_133432.3); c.73290del, p.Leu24430_Leu24431insTer (NM_133437.4).
Identifiers: ClinVar variation 2574068 (VCV002574068.1), dbSNP rs1559065845, ClinGen allele CA916719969.
Genomic context (GRCh38, chr2:178,537,199, plus strand): 5'-TGATCCAGGAGCCTCCGTCATCTGCGGGTGGTTTCCAGCTGATCACTGCGGAGTTCTTCA[AT>A]AGAGCTTCGATCACAATTGGTCCTGTAGGTTTGTCTGGTTTATCTGTTGGGGGAAAATAC-3'

ClinVar aggregate classification (germline): Likely pathogenic (0 of 4 stars; one submission).

Conditions:
Dilated cardiomyopathy 1G (CMD1G). Identifiers: Orphanet 154, MedGen C1858763, MONDO:0011400, OMIM 604145.

Submission:

deCODE genetics, Amgen
Classification: Likely pathogenic for Dilated cardiomyopathy 1G. Last evaluated: 2023-07-21. Review status: no assertion criteria provided. Collection method: research. Allele origin: germline. Affected: yes. Observed: 1 variant allele.
Comment: The variant NM_001267550.2:c.99909del (chr2:178537199) in TTN was detected in 1 heterozygote out of 58K WGS Icelanders (MAF= 0,001%). This variant has not been reported in ClinVar previously. Based on ACMG criteria (PVS1, PM2) this variant classifies as likely pathogenic.